The following is an entry in ClinVar:

ClinVar aggregate classification (germline): Conflicting classifications of pathogenicity. Review status: criteria provided, conflicting classifications (1 of 4 stars). 4 submissions from 4 submitters: Uncertain significance (1); Likely benign (2). 1 of the submissions does not count toward it. Last evaluated 2025-06-12.

Conditions:
Van Maldergem syndrome 2 (VMLDS2). Identifiers: Orphanet 314679, MedGen C3809875, MONDO:0014242, OMIM 615546.
Hennekam lymphangiectasia-lymphedema syndrome 2 (HKLLS2). Identifiers: Orphanet 2136, MedGen C4014939, MONDO:0014454, OMIM 616006.
FAT4-related disorder. Also called: FAT4-related condition.

Allele frequency attached by ClinVar (database versions not stated): ExAC 0.00003; gnomAD 0.00003 and 0.00004; gnomAD exomes 0.00003 and 0.00004; TOPMed 0.00005; ESP Exome Variant Server 0.00008.
gnomAD v4.1: 52 of 1,601,908 alleles (0.0032%); highest among the groups gnomAD compares: African/African-American, 0.004%; no homozygotes.

Submissions (4):

Labcorp Genetics (formerly Invitae), Labcorp
Classification: Likely benign. Last evaluated: 2025-06-12. Review status: criteria provided, single submitter. Criteria: Invitae Variant Classification Sherloc (09022015). Collection method: clinical testing. Allele origin: germline.

Blueprint Genetics
Classification: Likely benign. Last evaluated: 2024-03-22. Review status: criteria provided, single submitter. Criteria: ACMG Guidelines, 2015. Collection method: clinical testing. Allele origin: germline.

Fulgent Genetics
Classification: Uncertain significance for Van Maldergem syndrome 2; Hennekam lymphangiectasia-lymphedema syndrome 2. Last evaluated: 2024-02-13. Review status: criteria provided, single submitter. Criteria: ACMG Guidelines, 2015. Collection method: clinical testing. Allele origin: germline.

PreventionGenetics, part of Exact Sciences
Classification: Likely benign for FAT4-related condition. Last evaluated: 2019-03-26. Review status: no assertion criteria provided. Collection method: clinical testing. Allele origin: germline. Not counted in ClinVar's aggregate classification.
Comment: This variant is classified as likely benign based on ACMG/AMP sequence variant interpretation guidelines (Richards et al. 2015 PMID: 25741868, with internal and published modifications).

NM_001291303.3(FAT4):c.5943T>C (p.Tyr1981=)

Gene: FAT4 (FAT atypical cadherin 4; plus strand). Cytogenetic location: 4q28.1.
Variant type: single nucleotide variant.
Coding change: c.5943T>C on transcript NM_001291303.3 (MANE Select); coding-DNA position 5943, T replaced by C.
Protein change: p.Tyr1981=; no amino-acid change (tyrosine 1981 retained).
Molecular consequence: synonymous variant.
Genome position (GRCh38, 1-based): chr4:125,414,906, T>C. VCF-style: chr4-125414906-T-C. GRCh37 (hg19) VCF-style: chr4-126336061-T-C.
Other names: c.5943T>C (NM_024582.4, NM_024582.5); c.5943T>C, p.Tyr1981= (NM_001291285.3, NM_024582.6).
Identifiers: ClinVar variation 1562105 (VCV001562105.13), dbSNP rs149373164, ClinGen allele CA3072843.
Genomic context (GRCh38, chr4:125,414,906, plus strand): 5'-ATATGTTTAAGAAAATTTTTTCTTCCCTTTAATTTCAGGCATCAACTCTCAATTGACTTA[T>C]AGCATTGCTTCAGGTGATAGCCTTGGGCAGTTTACTGTTGACAAGAATGGTGTACTCAAA-3'
Protein context (NP_001278232.1, residues 1971-1991): ADDGINSQLT[Tyr1981=]SIASGDSLGQ